The following is an entry in ClinVar:

NM_198506.5(LRIT3):c.1576G>A (p.Asp526Asn)

Gene: LRIT3 (leucine rich repeat, Ig-like and transmembrane domains 3; plus strand). Cytogenetic location: 4q25.
Variant type: single nucleotide variant.
Coding change: c.1576G>A on transcript NM_198506.5 (MANE Select); coding-DNA position 1576, G replaced by A.
Protein change: p.Asp526Asn; replaces aspartic acid 526 with asparagine.
Molecular consequence: missense variant.
Genome position (GRCh38, 1-based): chr4:109,870,325, G>A. VCF-style: chr4-109870325-G-A. GRCh37 (hg19) VCF-style: chr4-110791481-G-A.
Other names: short protein forms D526N.
Identifiers: ClinVar variation 2116046 (VCV002116046.4), dbSNP rs1734799803, ClinGen allele CA357871996.
Genomic context (GRCh38, chr4:109,870,325, plus strand): 5'-ATGATCAACACCACACATAACTCTGCAGTGACTGTGTTGTATTCCAAGTATGGTGGGAAG[G>A]ACCTGCTGCTGTTGAATGCAGACTCCAGCAAGAACCAAGTAACCATAGATGGCTTGGAAC-3'
Protein context (NP_940908.3, residues 516-536): TVLYSKYGGK[Asp526Asn]LLLLNADSSK

ClinVar aggregate classification (germline): Uncertain significance (1 of 4 stars; one submission).

Submission:

Labcorp Genetics (formerly Invitae), Labcorp
Classification: Uncertain significance. Last evaluated: 2022-03-23. Review status: criteria provided, single submitter. Criteria: Invitae Variant Classification Sherloc (09022015). Collection method: clinical testing. Allele origin: germline.
Comment: This variant is not present in population databases (gnomAD no frequency). In summary, the available evidence is currently insufficient to determine the role of this variant in disease. Therefore, it has been classified as a Variant of Uncertain Significance. Algorithms developed to predict the effect of missense changes on protein structure and function are either unavailable or do not agree on the potential impact of this missense change (SIFT: "Deleterious"; PolyPhen-2: "Probably Damaging"; Align-GVGD: "Class C0"). This variant has not been reported in the literature in individuals affected with LRIT3-related conditions. This sequence change replaces aspartic acid, which is acidic and polar, with asparagine, which is neutral and polar, at codon 526 of the LRIT3 protein (p.Asp526Asn).